The following is an entry in ClinVar:

ClinVar aggregate classification (germline): Conflicting classifications of pathogenicity. Review status: criteria provided, conflicting classifications (1 of 4 stars). 3 submissions from 3 submitters: Uncertain significance (2); Likely benign (1). Last evaluated 2025-09-22.

Conditions:
Dent disease type 2. Identifiers: Orphanet 1652, Orphanet 93623, MedGen C1845167, MONDO:0010359, OMIM 300555.
Lowe syndrome (OCRL). Also called: PHOSPHATIDYLINOSITOL 4,5-BISPHOSPHATE 5-PHOSPHATASE DEFICIENCY; Oculocerebrorenal Syndrome; LOWE OCULOCEREBRORENAL SYNDROME. Identifiers: Orphanet 534, MedGen C0028860, MONDO:0010645, OMIM 309000.

Allele frequency attached by ClinVar (database versions not stated): ExAC 0.00001; gnomAD exomes 0.00001 and 0.00006; TOPMed 0.00001.
gnomAD v4.1: 67 of 1,209,901 alleles (0.0055%); highest among the groups gnomAD compares: Non-Finnish European, 0.0074%; no homozygotes.

Submissions (3):

Labcorp Genetics (formerly Invitae), Labcorp
Classification: Likely benign for Lowe syndrome. Last evaluated: 2025-09-22. Review status: criteria provided, single submitter. Criteria: Invitae Variant Classification Sherloc (09022015). Collection method: clinical testing. Allele origin: germline.

Baylor Genetics
Classification: Uncertain significance for Dent disease type 2. Last evaluated: 2020-02-21. Review status: criteria provided, single submitter. Criteria: ACMG Guidelines, 2015. Collection method: clinical testing. Allele origin: unknown. Affected: yes.
Comment: This variant was determined to be of uncertain significance according to ACMG Guidelines, 2015 [PMID:25741868].

GeneDx
Classification: Uncertain significance. Last evaluated: 2019-12-13. Review status: criteria provided, single submitter. Criteria: GeneDx Variant Classification Process June 2021. Collection method: clinical testing. Allele origin: germline. Affected: yes.
Comment: In silico analysis, which includes splice predictors and evolutionary conservation, suggests this variant may impact gene splicing. In the absence of RNA/functional studies, the actual effect of this sequence change is unknown.; Has not been previously published as pathogenic or benign to our knowledge

NM_000276.4(OCRL):c.1656C>T (p.Arg552=)

Gene: OCRL (OCRL inositol polyphosphate-5-phosphatase; plus strand). Cytogenetic location: Xq26.1.
Variant type: single nucleotide variant.
Coding change: c.1656C>T on transcript NM_000276.4 (MANE Select); coding-DNA position 1656, C replaced by T.
Protein change: p.Arg552=; no amino-acid change (arginine 552 retained).
Molecular consequence: synonymous variant.
Genome position (GRCh38, 1-based): chrX:129,575,193, C>T. VCF-style: chrX-129575193-C-T. GRCh37 (hg19) VCF-style: chrX-128709170-C-T.
Other names: c.1659C>T, p.Arg553= (NM_001318784.2); c.1656C>T, p.Arg552= (NM_001587.4).
Identifiers: ClinVar variation 1028174 (VCV001028174.10), dbSNP rs761645724, ClinGen allele CA10512229.